The following is an entry in ClinVar:

NM_006087.4(TUBB4A):c.681C>T (p.His227=)

Gene: TUBB4A (tubulin beta 4A class IVa; minus strand). Cytogenetic location: 19p13.3.
Variant type: single nucleotide variant.
Coding change: c.681C>T on transcript NM_006087.4 (MANE Select); coding-DNA position 681, C replaced by T.
Protein change: p.His227=; no amino-acid change (histidine 227 retained).
Molecular consequence: synonymous variant.
Genome position (GRCh38, 1-based): chr19:6,495,818, G>A on the plus strand (C>T on the coding strand, the complement: TUBB4A is on the minus strand). VCF-style: chr19-6495818-G-A. GRCh37 (hg19) VCF-style: chr19-6495829-G-A.
Other names: c.834C>T, p.His278= (NM_001289123.2); c.816C>T, p.His272= (NM_001289127.2); c.681C>T, p.His227= (NM_001289129.2); c.465C>T, p.His155= (NM_001289130.2, NM_001289131.2).
Identifiers: ClinVar variation 3056784 (VCV003056784.7), dbSNP rs536369814, ClinGen allele CA9127335.
Genomic context (GRCh38, chr19:6,495,818, plus strand): 5'-GTTCAGCTGGCCCGGGAAGCGCAGGCAGGTGGTGACCCCGCTCATGGTGGCCGACACCAG[G>A]TGGTTGAGGTCCCCGTAGGTGGGGGTGGTCAGCTTGAGGGTGCGGAAACAGATGTCGTAG-3'
Protein context (NP_006078.2, residues 217-237): LTTPTYGDLN[His227=]LVSATMSGVT

ClinVar aggregate classification (germline): Likely benign. Review status: criteria provided, multiple submitters, no conflicts (2 of 4 stars). 3 submissions from 3 submitters: Likely benign (2). 1 of the submissions does not count toward it. Last evaluated 2026-02-01.

Conditions:
TUBB4A-related disorder. Also called: TUBB4A-related condition.

Allele frequency attached by ClinVar (database versions not stated): TOPMed 0.00001; gnomAD 0.00004; gnomAD exomes 0.00008; ExAC 0.00023; 1000 Genomes Project 0.00040; 1000 Genomes Project 30x 0.00047.

Submissions (3):

CeGaT Center for Human Genetics Tuebingen
Classification: Likely benign. Last evaluated: 2026-02-01. Review status: criteria provided, single submitter. Criteria: CeGaT Center For Human Genetics Tuebingen Variant Classification Criteria Version 2. Collection method: clinical testing. Allele origin: germline. Affected: yes. Observed: 1 variant allele.
Comment: TUBB4A: BP4, BP7, BS1

Blueprint Genetics
Classification: Likely benign. Last evaluated: 2024-09-11. Review status: criteria provided, single submitter. Criteria: ACMG Guidelines, 2015. Collection method: clinical testing. Allele origin: germline.

PreventionGenetics, part of Exact Sciences
Classification: Likely benign for TUBB4A-related condition. Last evaluated: 2019-05-01. Review status: no assertion criteria provided. Collection method: clinical testing. Allele origin: germline. Not counted in ClinVar's aggregate classification.
Comment: This variant is classified as likely benign based on ACMG/AMP sequence variant interpretation guidelines (Richards et al. 2015 PMID: 25741868, with internal and published modifications).